The following is an entry in ClinVar:

NM_182914.3(SYNE2):c.18998G>A (p.Cys6333Tyr)

Gene: SYNE2 (spectrin repeat containing nuclear envelope protein 2; plus strand). Cytogenetic location: 14q23.2.
Variant type: single nucleotide variant.
Coding change: c.18998G>A on transcript NM_182914.3 (MANE Select); coding-DNA position 18998, G replaced by A.
Protein change: p.Cys6333Tyr; replaces cysteine 6333 with tyrosine.
Molecular consequence: missense variant.
Genome position (GRCh38, 1-based): chr14:64,212,947, G>A. VCF-style: chr14-64212947-G-A. GRCh37 (hg19) VCF-style: chr14-64679665-G-A.
Other names: c.18998G>A, p.Cys6333Tyr (NM_015180.6); c.18998G>A (NM_182914.2); short protein forms C6333Y.
Identifiers: ClinVar variation 1009056 (VCV001009056.10), dbSNP rs768044506, ClinGen allele CA261825373.

ClinVar aggregate classification (germline): Uncertain significance. Review status: criteria provided, multiple submitters, no conflicts (2 of 4 stars). 2 submissions from 2 submitters: Uncertain significance (2). Last evaluated 2024-10-12.

Conditions:
Emery-Dreifuss muscular dystrophy 5, autosomal dominant (EDMD5). Also called: EMERY-DREIFUSS MUSCULAR DYSTROPHY 5. Identifiers: Orphanet 261, MedGen C2751805, MONDO:0013072, OMIM 612999.

Allele frequency attached by ClinVar (database versions not stated): TOPMed 0.00001.
gnomAD v4.1: 10 of 1,614,064 alleles (0.00062%); highest among the groups gnomAD compares: Non-Finnish European, 0.00085%; no homozygotes.

Submissions (2):

Ambry Genetics
Classification: Uncertain significance. Last evaluated: 2024-10-12. Review status: criteria provided, single submitter. Criteria: Ambry Variant Classification Scheme 2023. Collection method: clinical testing. Allele origin: germline.

Labcorp Genetics (formerly Invitae), Labcorp
Classification: Uncertain significance for Emery-Dreifuss muscular dystrophy 5, autosomal dominant. Last evaluated: 2023-10-03. Review status: criteria provided, single submitter. Criteria: Invitae Variant Classification Sherloc (09022015). Collection method: clinical testing. Allele origin: germline.
Comment: This sequence change replaces cysteine, which is neutral and slightly polar, with tyrosine, which is neutral and polar, at codon 6333 of the SYNE2 protein (p.Cys6333Tyr). This variant is present in population databases (no rsID available, gnomAD 0.007%). This variant has not been reported in the literature in individuals affected with SYNE2-related conditions. ClinVar contains an entry for this variant (Variation ID: 1009056). An algorithm developed to predict the effect of missense changes on protein structure and function (PolyPhen-2) suggests that this variant is likely to be disruptive. In summary, the available evidence is currently insufficient to determine the role of this variant in disease. Therefore, it has been classified as a Variant of Uncertain Significance.